The following is an entry in ClinVar:

ClinVar aggregate classification (germline): Benign. Review status: criteria provided, multiple submitters, no conflicts (2 of 4 stars). 4 submissions from 4 submitters: Benign (4). Last evaluated 2026-02-03.

Conditions:
Autosomal dominant cerebellar ataxia. Also called: Spinocerebellar Ataxia, Dominant. Identifiers: Orphanet 99, MedGen C4087347, MONDO:0020380.

Allele frequency attached by ClinVar (database versions not stated): gnomAD exomes 0.00358 and 0.00992; ExAC 0.01530; gnomAD 0.03771 and 0.04035; ESP Exome Variant Server 0.03999; TOPMed 0.04176; 1000 Genomes Project 0.04433; 1000 Genomes Project 30x 0.04841.
gnomAD v4.1: 11,041 of 1,576,854 alleles (0.7%); highest among the groups gnomAD compares: African/African-American, 13%; 657 homozygotes.

Submissions (4):

Labcorp Genetics (formerly Invitae), Labcorp
Classification: Benign. Last evaluated: 2026-02-03. Review status: criteria provided, single submitter. Criteria: Invitae Variant Classification Sherloc (09022015). Collection method: clinical testing. Allele origin: germline.

GeneDx
Classification: Benign. Last evaluated: 2018-09-05. Review status: criteria provided, single submitter. Criteria: GeneDx Variant Classification Process June 2021. Collection method: clinical testing. Allele origin: germline. Affected: yes.

Illumina Laboratory Services, Illumina
Classification: Benign for Spinocerebellar Ataxia, Dominant. Last evaluated: 2018-01-13. Review status: criteria provided, single submitter. Criteria: ICSL Variant Classification Criteria 13 December 2019. Collection method: clinical testing. Allele origin: germline.
Comment: This variant was observed in the ICSL laboratory as part of a predisposition screen in an ostensibly healthy population. It had not been previously curated by ICSL or reported in the Human Gene Mutation Database (HGMD: prior to June 1st, 2018), and was therefore a candidate for classification through an automated scoring system. Utilizing variant allele frequency, disease prevalence and penetrance estimates, and inheritance mode, an automated score was calculated to assess if this variant is too frequent to cause the disease. Based on the score and internal cut-off values, a variant classified as benign is not then subjected to further curation. The score for this variant resulted in a classification of benign for this disease.

Breakthrough Genomics
Classification: Benign. Review status: criteria provided, single submitter. Criteria: ACMG Guidelines, 2015. Collection method: not provided. Allele origin: germline. Inheritance: Autosomal dominant inheritance. Affected: yes.

NM_001378452.1(ITPR1):c.1412+13G>A

Gene: ITPR1 (inositol 1,4,5-trisphosphate receptor type 1; plus strand). Cytogenetic location: 3p26.1.
Variant type: single nucleotide variant.
Coding change: c.1412+13G>A on transcript NM_001378452.1 (MANE Select); 13 bases into the intron after coding-DNA position 1412, G replaced by A.
Molecular consequence: intron variant.
Genome position (GRCh38, 1-based): chr3:4,662,255, G>A. VCF-style: chr3-4662255-G-A. GRCh37 (hg19) VCF-style: chr3-4703939-G-A.
Other names: c.1412+13G>A (NM_001099952.4); c.1367+13G>A (NM_001168272.2, NM_002222.7).
Identifiers: ClinVar variation 345647 (VCV000345647.14), dbSNP rs11920643, ClinGen allele CA2231174.